The following is an entry in ClinVar:

ClinVar aggregate classification (germline): Likely pathogenic (1 of 4 stars; one submission).

Conditions:
Pyridoxine-dependent epilepsy (EPEO4). Also called: Pyridoxine-Dependent Seizures; PYRIDOXINE DEPENDENCY WITH SEIZURES; Pyridoxine-Dependent Epilepsy - ALDH7A1; EPILEPSY, EARLY-ONSET, 4, VITAMIN B6-DEPENDENT. Identifiers: Orphanet 3006, MedGen C1849508, MONDO:0009945, OMIM 266100. Disease mechanism: loss of function.

gnomAD v4.1: 1 of 1,613,368 alleles (0.000062%); highest among the groups gnomAD compares: Non-Finnish European, 0.000085%; no homozygotes.

Submission:

Labcorp Genetics (formerly Invitae), Labcorp
Classification: Likely pathogenic for Pyridoxine-dependent epilepsy. Last evaluated: 2024-03-22. Review status: criteria provided, single submitter. Criteria: Invitae Variant Classification Sherloc (09022015). Collection method: clinical testing. Allele origin: germline.
Comment: This sequence change affects an acceptor splice site in intron 2 of the ALDH7A1 gene. It is expected to disrupt RNA splicing. Variants that disrupt the donor or acceptor splice site typically lead to a loss of protein function (PMID: 16199547), and loss-of-function variants in ALDH7A1 are known to be pathogenic (PMID: 16491085, 20554659). This variant is not present in population databases (gnomAD no frequency). Disruption of this splice site has been observed in individual(s) with pyridoxine-dependent epilepsy (PMID: 30043187). Algorithms developed to predict the effect of sequence changes on RNA splicing suggest that this variant may disrupt the consensus splice site. In summary, the currently available evidence indicates that the variant is pathogenic, but additional data are needed to prove that conclusively. Therefore, this variant has been classified as Likely Pathogenic.

Literature cited by the submitters: PubMed 16199547; PubMed 16491085; PubMed 20554659; PubMed 30043187.

NM_001182.5(ALDH7A1):c.247-1G>A

Gene: ALDH7A1 (aldehyde dehydrogenase 7 family member A1; minus strand). Cytogenetic location: 5q23.2.
Variant type: single nucleotide variant.
Coding change: c.247-1G>A on transcript NM_001182.5 (MANE Select); the canonical splice acceptor site of the intron before coding-DNA position 247, G replaced by A.
Molecular consequence: splice acceptor variant.
Genome position (GRCh38, 1-based): chr5:126,592,730, C>T on the plus strand (G>A on the coding strand, the complement: ALDH7A1 is on the minus strand). VCF-style: chr5-126592730-C-T. GRCh37 (hg19) VCF-style: chr5-125928422-C-T.
Other names: c.247-1G>A (NM_001202404.2); c.163-1G>A (NM_001201377.2).
Identifiers: ClinVar variation 3646328 (VCV003646328.2).